The following is an entry in ClinVar:

ClinVar aggregate classification (germline): Uncertain significance (1 of 4 stars; one submission).

Conditions:
STING-associated vasculopathy with onset in infancy. Also called: Sting-associated vasculopathy, infantile-onset. Identifiers: Orphanet 425120, MedGen C4014722, MONDO:0014405, OMIM 615934.

gnomAD v4.1: 1 of 1,612,536 alleles (0.000062%); highest among the groups gnomAD compares: South Asian, 0.0011%; no homozygotes.

Submission:

Labcorp Genetics (formerly Invitae), Labcorp
Classification: Uncertain significance for STING-associated vasculopathy with onset in infancy. Last evaluated: 2022-09-10. Review status: criteria provided, single submitter. Criteria: Invitae Variant Classification Sherloc (09022015). Collection method: clinical testing. Allele origin: germline.
Comment: In summary, the available evidence is currently insufficient to determine the role of this variant in disease. Therefore, it has been classified as a Variant of Uncertain Significance. Algorithms developed to predict the effect of missense changes on protein structure and function (SIFT, PolyPhen-2, Align-GVGD) all suggest that this variant is likely to be tolerated. This variant has not been reported in the literature in individuals affected with TMEM173-related conditions. This variant is not present in population databases (gnomAD no frequency). This sequence change replaces threonine, which is neutral and polar, with isoleucine, which is neutral and non-polar, at codon 354 of the TMEM173 protein (p.Thr354Ile).

NM_198282.4(STING1):c.1061C>T (p.Thr354Ile)

Gene: STING1 (stimulator of interferon response cGAMP interactor 1; minus strand). Cytogenetic location: 5q31.2.
Variant type: single nucleotide variant.
Coding change: c.1061C>T on transcript NM_198282.4 (MANE Select); coding-DNA position 1061, C replaced by T.
Protein change: p.Thr354Ile; replaces threonine 354 with isoleucine.
Molecular consequence: missense variant. On other transcripts: 3 prime UTR variant (1).
Genome position (GRCh38, 1-based): chr5:139,476,340, G>A on the plus strand (C>T on the coding strand, the complement: STING1 is on the minus strand). VCF-style: chr5-139476340-G-A. GRCh37 (hg19) VCF-style: chr5-138855925-G-A.
Other names: c.*22C>T (NM_001301738.2); c.704C>T, p.Thr235Ile (NM_001367258.1); short protein forms T235I, T354I.
Identifiers: ClinVar variation 2030019 (VCV002030019.4), dbSNP rs1047355852, ClinGen allele CA361479057.